The following is an entry in ClinVar:

ClinVar aggregate classification (germline): Pathogenic (1 of 4 stars; one submission).

Conditions:
Hereditary breast ovarian cancer syndrome. Also called: Hereditary breast and ovarian cancer; Breast and ovarian cancer; BRCA1- and BRCA2-Associated Hereditary Breast and Ovarian Cancer; Hereditary breast and/or ovarian cancer syndrome; Hereditary breast and ovarian cancer syndrome; Hereditary breast and ovarian cancer syndrome (HBOC). Identifiers: Orphanet 145, MedGen C0677776, MeSH D061325, MONDO:0003582. Disease mechanism: loss of function.

Submission:

Labcorp Genetics (formerly Invitae), Labcorp
Classification: Pathogenic for Hereditary breast ovarian cancer syndrome. Last evaluated: 2021-08-13. Review status: criteria provided, single submitter. Criteria: Invitae Variant Classification Sherloc (09022015). Collection method: clinical testing. Allele origin: germline.
Comment: This sequence change creates a premature translational stop signal (p.Tyr2916*) in the BRCA2 gene. It is expected to result in an absent or disrupted protein product. Loss-of-function variants in BRCA2 are known to be pathogenic (PMID: 20104584). For these reasons, this variant has been classified as Pathogenic. This variant has not been reported in the literature in individuals affected with BRCA2-related conditions. This variant is not present in population databases (ExAC no frequency).

Literature cited by the submitters: PubMed 20104584.

NM_000059.4(BRCA2):c.8748C>A (p.Tyr2916Ter)

Gene: BRCA2 (BRCA2 DNA repair associated; plus strand). Cytogenetic location: 13q13.1.
Variant type: single nucleotide variant.
Coding change: c.8748C>A on transcript NM_000059.4 (MANE Select); coding-DNA position 8748, C replaced by A.
Protein change: p.Tyr2916Ter; replaces tyrosine 2916 with a stop codon.
Molecular consequence: nonsense.
Genome position (GRCh38, 1-based): chr13:32,376,785, C>A. VCF-style: chr13-32376785-C-A. GRCh37 (hg19) VCF-style: chr13-32950922-C-A.
Other names: short protein forms Y2916*.
Identifiers: ClinVar variation 1459597 (VCV001459597.6), dbSNP rs2137613497, ClinGen allele CA387755074.
Genomic context (GRCh38, chr13:32,376,785, plus strand): 5'-TGCTTTGCAAGATGGTGCAGAGCTTTATGAAGCAGTGAAGAATGCAGCAGACCCAGCTTA[C>A]CTTGAGGTGAGAGAGTAAGAGGACATATAATGAGGCTTGATGATTATTCAAGGTGAGAAG-3'